The following is an entry in ClinVar:

NM_001164508.2(NEB):c.22030_22031del (p.Val7344fs)

Genes: NEB (nebulin; minus strand), RIF1 (replication timing regulatory factor 1; plus strand). Cytogenetic location: 2q23.3.
Variant type: Deletion.
Coding change: c.22030_22031del on transcript NM_001164508.2 (MANE Select); coding-DNA positions 22030 to 22031, 2 bases deleted (GT; older notation c.22030_22031delGT).
Protein change: p.Val7344fs; shifts the reading frame from valine 7344.
Molecular consequence: frameshift variant.
Genome position (GRCh38, 1-based): chr2:151,526,177-151,526,178, AC deleted on the plus strand (GT on the coding strand, the reverse complement: NEB is on the minus strand); deleting any 2 consecutive bases within chr2:151,526,177-151,526,179 gives the same sequence; the c. name uses the placement nearest the transcript's 3' end. VCF-style (leftmost placement, unchanged base first): chr2-151526176-GAC-G. GRCh37 (hg19) VCF-style: chr2-152382690-GAC-G.
Other names: c.22030_22031del, p.Val7344fs (NM_001164507.2); c.22135_22136del, p.Val7379fs (NM_001271208.2); c.16927_16928del, p.Val5643fs (NM_004543.5); short protein forms V7344fs, V7379fs, V5643fs.
Identifiers: ClinVar variation 2859180 (VCV002859180.3), dbSNP rs2552117554, ClinGen allele CA2739271315.
Genomic context (GRCh38, chr2:151,526,176, plus strand): 5'-CTCCCAAGAGGGAAGCAGAACTCATGGGCGGCTGGGGGTTACCTCAGACACCAGGTTGCT[GAC>G]AGTCTTCGCCAGCAGGATCTGAGGCGTGTCAGGTACGGCATGGCAGGTTCCTCTTTCCTT-3'

ClinVar aggregate classification (germline): Pathogenic (1 of 4 stars; one submission).

Conditions:
Nemaline myopathy 2 (NEM2). Also called: Nemaline myopathy 2, autosomal recessive. Identifiers: MedGen C1850569, MONDO:0009725, OMIM 256030.

Submission:

Labcorp Genetics (formerly Invitae), Labcorp
Classification: Pathogenic for Nemaline myopathy 2. Last evaluated: 2023-05-05. Review status: criteria provided, single submitter. Criteria: Invitae Variant Classification Sherloc (09022015). Collection method: clinical testing. Allele origin: germline.
Comment: This variant has not been reported in the literature in individuals affected with NEB-related conditions. For these reasons, this variant has been classified as Pathogenic. This variant is not present in population databases (gnomAD no frequency). This sequence change creates a premature translational stop signal (p.Val7379Glnfs*6) in the NEB gene. It is expected to result in an absent or disrupted protein product. Loss-of-function variants in NEB are known to be pathogenic (PMID: 25205138).

Literature cited by the submitters: PubMed 25205138.